The following is an entry in ClinVar:

ClinVar aggregate classification (germline): Likely pathogenic. Review status: criteria provided, single submitter (1 of 4 stars). 2 submissions from 2 submitters: Likely pathogenic (1). 1 of the submissions does not count toward it. Last evaluated 2023-06-05.

Conditions:
Dilated cardiomyopathy 1S (CMD1S). Identifiers: Orphanet 154, Orphanet 54260, MedGen C1834481, MONDO:0013262, OMIM 613426.
Dilated cardiomyopathy 1G (CMD1G). Identifiers: Orphanet 154, MedGen C1858763, MONDO:0011400, OMIM 604145.
Autosomal recessive limb-girdle muscular dystrophy type 2J (LGMDR10). Also called: MUSCULAR DYSTROPHY, LIMB-GIRDLE, AUTOSOMAL RECESSIVE 10; Limb-girdle muscular dystrophy, type 2J. Identifiers: Orphanet 140922, MedGen C1837342, MONDO:0012127, OMIM 608807.

Submissions (2):

Labcorp Genetics (formerly Invitae), Labcorp
Classification: Likely pathogenic for Dilated cardiomyopathy 1G; Autosomal recessive limb-girdle muscular dystrophy type 2J. Last evaluated: 2023-06-05. Review status: criteria provided, single submitter. Criteria: Invitae Variant Classification Sherloc (09022015). Collection method: clinical testing. Allele origin: germline.
Comment: In summary, the currently available evidence indicates that the variant is pathogenic, but additional data are needed to prove that conclusively. Therefore, this variant has been classified as Likely Pathogenic. This variant is located in the A band of TTN (PMID: 25589632). Truncating variants in this region are significantly overrepresented in patients affected with dilated cardiomyopathy (PMID: 25589632). Truncating variants in this region have also been reported in individuals affected with autosomal recessive centronuclear myopathy (PMID: 23975875). ClinVar contains an entry for this variant (Variation ID: 265803). This variant is not present in population databases (gnomAD no frequency). This sequence change creates a premature translational stop signal (p.Ser20561*) in the TTN gene. While this is not anticipated to result in nonsense mediated decay, it is expected to create a truncated TTN protein. This premature translational stop signal has been observed in individual(s) with dilated cardiomyopathy (PMID: 29253866).

Institut für Laboratoriums- und Transfusionsmedizin, Herz- und Diabeteszentrum Nordrhein-Westfalen
Classification: Likely pathogenic for Dilated cardiomyopathy 1S. Last evaluated: 2016-05-01. Review status: no assertion criteria provided. Collection method: clinical testing. Allele origin: germline. Affected: yes. Observed: 1 variant allele. Not counted in ClinVar's aggregate classification.

Literature cited by the submitters: PubMed 25589632 (cited by Labcorp Genetics (formerly Invitae), Labcorp); PubMed 23975875 (cited by Labcorp Genetics (formerly Invitae), Labcorp); PubMed 29253866 (cited by Labcorp Genetics (formerly Invitae), Labcorp).

NM_001267550.2(TTN):c.61682C>G (p.Ser20561Ter)

Genes: TTN (titin; minus strand), TTN-AS1 (TTN antisense RNA 1; plus strand). Cytogenetic location: 2q31.2.
Variant type: single nucleotide variant.
Coding change: c.61682C>G on transcript NM_001267550.2 (MANE Select); coding-DNA position 61682, C replaced by G.
Protein change: p.Ser20561Ter; replaces serine 20561 with a stop codon.
Molecular consequence: nonsense.
Genome position (GRCh38, 1-based): chr2:178,590,043, G>C on the plus strand (C>G on the coding strand, the complement: TTN is on the minus strand). VCF-style: chr2-178590043-G-C. GRCh37 (hg19) VCF-style: chr2-179454770-G-C.
Other names: c.61682C>G (LRG_391t1); c.56759C>G, p.Ser18920Ter (NM_001256850.1); c.34487C>G, p.Ser11496Ter (NM_003319.4); c.53978C>G, p.Ser17993Ter (NM_133378.4); c.34862C>G, p.Ser11621Ter (NM_133432.3); c.35063C>G, p.Ser11688Ter (NM_133437.4); short protein forms S20561*, S11688*, S11621*, S18920*, S11496*, S17993*.
Identifiers: ClinVar variation 265803 (VCV000265803.13), dbSNP rs1114167324, ClinGen allele CA349470213.